The following is an entry in ClinVar:

NM_002317.7(LOX):c.260C>G (p.Pro87Arg)

Genes: LOX (lysyl oxidase; minus strand), SRFBP1 (serum response factor binding protein 1; plus strand). Cytogenetic location: 5q23.1.
Variant type: single nucleotide variant.
Coding change: c.260C>G on transcript NM_002317.7 (MANE Select); coding-DNA position 260, C replaced by G.
Protein change: p.Pro87Arg; replaces proline 87 with arginine.
Molecular consequence: missense variant.
Genome position (GRCh38, 1-based): chr5:122,077,726, G>C on the plus strand (C>G on the coding strand, the complement: LOX is on the minus strand). VCF-style: chr5-122077726-G-C. GRCh37 (hg19) VCF-style: chr5-121413421-G-C.
Other names: short protein forms P87R.
Identifiers: ClinVar variation 2830603 (VCV002830603.3), dbSNP rs572413728, ClinGen allele CA360877244.
Genomic context (GRCh38, chr5:122,077,726, plus strand): 5'-GCCGTCCGCGTTCGCGCCGCGGCGGTGCGGTTGTCGCGGATCAGCAGGATCGGAGTGCGG[G>C]GCTGCTGGGCGGAGGCGTTGGCTGCACCAGGGACGGCGGCGCCCGGGTCCCGGCGGCGCT-3'
Protein context (NP_002308.2, residues 77-97): PGAANASAQQ[Pro87Arg]RTPILLIRDN

ClinVar aggregate classification (germline): Uncertain significance (1 of 4 stars; one submission).

Allele frequency attached by ClinVar (database versions not stated): TOPMed 0.00001.
gnomAD v4.1: 1 of 1,580,308 alleles (0.000063%); highest among the groups gnomAD compares: Admixed American, 0.0018%; no homozygotes.

Submission:

Labcorp Genetics (formerly Invitae), Labcorp
Classification: Uncertain significance. Last evaluated: 2022-12-12. Review status: criteria provided, single submitter. Criteria: Invitae Variant Classification Sherloc (09022015). Collection method: clinical testing. Allele origin: germline.
Comment: This sequence change replaces proline, which is neutral and non-polar, with arginine, which is basic and polar, at codon 87 of the LOX protein (p.Pro87Arg). This variant is not present in population databases (gnomAD no frequency). This variant has not been reported in the literature in individuals affected with LOX-related conditions. Advanced modeling of protein sequence and biophysical properties (such as structural, functional, and spatial information, amino acid conservation, physicochemical variation, residue mobility, and thermodynamic stability) performed at Invitae indicates that this missense variant is not expected to disrupt LOX protein function. In summary, the available evidence is currently insufficient to determine the role of this variant in disease. Therefore, it has been classified as a Variant of Uncertain Significance.